The following is an entry in ClinVar:

NM_000742.4(CHRNA2):c.844C>T (p.Leu282Phe)

Gene: CHRNA2 (cholinergic receptor nicotinic alpha 2 subunit; minus strand). Cytogenetic location: 8p21.2.
Variant type: single nucleotide variant.
Coding change: c.844C>T on transcript NM_000742.4 (MANE Select); coding-DNA position 844, C replaced by T.
Protein change: p.Leu282Phe; replaces leucine 282 with phenylalanine.
Molecular consequence: missense variant.
Genome position (GRCh38, 1-based): chr8:27,463,599, G>A on the plus strand (C>T on the coding strand, the complement: CHRNA2 is on the minus strand). VCF-style: chr8-27463599-G-A. GRCh37 (hg19) VCF-style: chr8-27321116-G-A.
Other names: c.367C>T, p.Leu123Phe (NM_001347705.2, NM_001347706.2); c.250C>T, p.Leu84Phe (NM_001347707.2, NM_001347708.2); c.799C>T, p.Leu267Phe (NM_001282455.2); short protein forms L84F, L123F, L267F, L282F.
Identifiers: ClinVar variation 1969963 (VCV001969963.5), dbSNP rs2490539784, ClinGen allele CA370810516.

ClinVar aggregate classification (germline): Uncertain significance (1 of 4 stars; one submission).

Conditions:
Familial sleep-related hypermotor epilepsy. Also called: Autosomal Dominant Sleep-Related Hypermotor (Hyperkinetic) Epilepsy. Identifiers: Orphanet 98784, MedGen C3696898, MONDO:0000030.

Submission:

Labcorp Genetics (formerly Invitae), Labcorp
Classification: Uncertain significance. Last evaluated: 2022-07-12. Review status: criteria provided, single submitter. Criteria: Invitae Variant Classification Sherloc (09022015). Collection method: clinical testing. Allele origin: germline.
Comment: This sequence change replaces leucine, which is neutral and non-polar, with phenylalanine, which is neutral and non-polar, at codon 282 of the CHRNA2 protein (p.Leu282Phe). This variant is not present in population databases (gnomAD no frequency). This variant has not been reported in the literature in individuals affected with CHRNA2-related conditions. Advanced modeling of protein sequence and biophysical properties (such as structural, functional, and spatial information, amino acid conservation, physicochemical variation, residue mobility, and thermodynamic stability) performed at Invitae indicates that this missense variant is expected to disrupt CHRNA2 protein function. In summary, the available evidence is currently insufficient to determine the role of this variant in disease. Therefore, it has been classified as a Variant of Uncertain Significance.